The following is an entry in ClinVar:

ClinVar aggregate classification (germline): Likely benign. Review status: criteria provided, single submitter (1 of 4 stars). 2 submissions from 2 submitters: Likely benign (1). 1 of the submissions does not count toward it. Last evaluated 2025-04-08.

Conditions:
Predisposition to invasive fungal disease due to CARD9 deficiency (IMD103). Also called: CARD9 IMMUNODEFICIENCY; Candidiasis, familial, 2, autosomal recessive; IMMUNODEFICIENCY 103, SUSCEPTIBILITY TO FUNGAL INFECTIONS. Identifiers: Orphanet 457088, MedGen C1859353, MONDO:0008905, OMIM 212050.
CARD9-related disorder. Also called: CARD9-related condition.

Allele frequency attached by ClinVar (database versions not stated): gnomAD 0.00001; gnomAD exomes 0.00001 and 0.00004; TOPMed 0.00001; ExAC 0.00003.
gnomAD v4.1: 20 of 1,612,612 alleles (0.0012%); highest among the groups gnomAD compares: South Asian, 0.016%; no homozygotes.

Submissions (2):

Labcorp Genetics (formerly Invitae), Labcorp
Classification: Likely benign for Predisposition to invasive fungal disease due to CARD9 deficiency. Last evaluated: 2025-04-08. Review status: criteria provided, single submitter. Criteria: Invitae Variant Classification Sherloc (09022015). Collection method: clinical testing. Allele origin: germline.

PreventionGenetics, part of Exact Sciences
Classification: Likely benign for CARD9-related condition. Last evaluated: 2024-02-29. Review status: no assertion criteria provided. Collection method: clinical testing. Allele origin: germline. Not counted in ClinVar's aggregate classification.
Comment: This variant is classified as likely benign based on ACMG/AMP sequence variant interpretation guidelines (Richards et al. 2015 PMID: 25741868, with internal and published modifications).

NM_052813.5(CARD9):c.384G>A (p.Lys128=)

Gene: CARD9 (caspase recruitment domain family member 9; minus strand). Cytogenetic location: 9q34.3.
Variant type: single nucleotide variant.
Coding change: c.384G>A on transcript NM_052813.5 (MANE Select); coding-DNA position 384, G replaced by A.
Protein change: p.Lys128=; no amino-acid change (lysine 128 retained).
Molecular consequence: synonymous variant.
Genome position (GRCh38, 1-based): chr9:136,371,084, C>T on the plus strand (G>A on the coding strand, the complement: CARD9 is on the minus strand). VCF-style: chr9-136371084-C-T. GRCh37 (hg19) VCF-style: chr9-139265536-C-T.
Other names: c.384G>A, p.Lys128= (NM_052814.4); c.384G>A (NM_052813.4).
Identifiers: ClinVar variation 1093902 (VCV001093902.13), dbSNP rs777535858, ClinGen allele CA5333143.